The following is an entry in ClinVar:

NM_001220.5(CAMK2B):c.920C>A (p.Thr307Asn)

Gene: CAMK2B (calcium/calmodulin dependent protein kinase II beta; minus strand). Cytogenetic location: 7p13.
Variant type: single nucleotide variant.
Coding change: c.920C>A on transcript NM_001220.5 (MANE Select); coding-DNA position 920, C replaced by A.
Protein change: p.Thr307Asn; replaces threonine 307 with asparagine.
Molecular consequence: missense variant.
Genome position (GRCh38, 1-based): chr7:44,240,733, G>T on the plus strand (C>A on the coding strand, the complement: CAMK2B is on the minus strand). VCF-style: chr7-44240733-G-T. GRCh37 (hg19) VCF-style: chr7-44280332-G-T.
Other names: c.920C>A, p.Thr307Asn (NM_001293170.2, NM_172078.3, NM_172079.3 and 5 more transcripts); short protein forms T307N.
Identifiers: ClinVar variation 3253484 (VCV003253484.1), dbSNP rs2485976968.

ClinVar aggregate classification (germline): Uncertain significance (1 of 4 stars; one submission).

Submission:

GeneDx
Classification: Uncertain significance. Last evaluated: 2023-09-29. Review status: criteria provided, single submitter. Criteria: GeneDx Variant Classification Process June 2021. Collection method: clinical testing. Allele origin: germline. Affected: yes.
Comment: Not observed at significant frequency in large population cohorts (gnomAD); In silico analysis supports that this missense variant has a deleterious effect on protein structure/function; Has not been previously published as pathogenic or benign to our knowledge